The following is an entry in ClinVar:

ClinVar aggregate classification (germline): Uncertain significance (1 of 4 stars; one submission).

Submission:

CeGaT Center for Human Genetics Tuebingen
Classification: Uncertain significance. Last evaluated: 2022-03-01. Review status: criteria provided, single submitter. Criteria: CeGaT Center For Human Genetics Tuebingen Variant Classification Criteria Version 2. Collection method: clinical testing. Allele origin: germline. Affected: yes. Observed: 1 variant allele.
Comment: CACNA1H: PM2, PP3

NM_021098.3(CACNA1H):c.4632C>A (p.Phe1544Leu)

Gene: CACNA1H (calcium voltage-gated channel subunit alpha1 H; plus strand). Cytogenetic location: 16p13.3.
Variant type: single nucleotide variant.
Coding change: c.4632C>A on transcript NM_021098.3 (MANE Select); coding-DNA position 4632, C replaced by A.
Protein change: p.Phe1544Leu; replaces phenylalanine 1544 with leucine.
Molecular consequence: missense variant.
Genome position (GRCh38, 1-based): chr16:1,212,011, C>A. VCF-style: chr16-1212011-C-A. GRCh37 (hg19) VCF-style: chr16-1262011-C-A.
Other names: c.4632C>A, p.Phe1544Leu (NM_001005407.2); short protein forms F1544L.
Identifiers: ClinVar variation 1675594 (VCV001675594.33), dbSNP rs775010247, ClinGen allele CA394180779.